The following is an entry in ClinVar:

ClinVar aggregate classification (germline): Conflicting classifications of pathogenicity. Review status: criteria provided, conflicting classifications (1 of 4 stars). 9 submissions from 9 submitters: Pathogenic (2); Likely pathogenic (3); Uncertain significance (4). Last evaluated 2026-09-01.

Conditions:
Cardiovascular phenotype. Identifiers: MedGen CN230736.
Catecholaminergic polymorphic ventricular tachycardia (CVPT). Also called: Catecholamine-induced polymorphic ventricular tachycardia. Identifiers: Orphanet 3286, MedGen C5574922, MONDO:0017990.
Cardiomyopathy (CMYO). Also called: Cardiomyopathies. Identifiers: Orphanet 167848, MedGen C0878544, MONDO:0004994, HP:0001638. Inheritance: Various modes of inheritance.
Catecholaminergic polymorphic ventricular tachycardia 1. Also called: VENTRICULAR TACHYCARDIA, STRESS-INDUCED POLYMORPHIC 1; VENTRICULAR TACHYCARDIA, CATECHOLAMINERGIC POLYMORPHIC, 1, WITH OR WITHOUT ATRIAL DYSFUNCTION AND/OR DILATED CARDIOMYOPATHY; RYR2-Related Catecholaminergic Polymorphic Ventricular Tachycardia. Identifiers: Orphanet 3286, MedGen C1631597, MONDO:0011484, OMIM 604772.

Allele frequency attached by ClinVar (database versions not stated): ExAC 0.00006; gnomAD exomes below 0.00001; TOPMed below 0.00001.
gnomAD v4.1: 5 of 1,572,518 alleles (0.00032%); highest among the groups gnomAD compares: Admixed American, 0.0018%; no homozygotes.

Submissions (9):

Ambry Genetics
Classification: Likely pathogenic for Cardiovascular phenotype. Last evaluated: 2026-09-01. Review status: criteria provided, single submitter. Criteria: Ambry Variant Classification Scheme 2023. Collection method: clinical testing. Allele origin: germline.
Comment: The p.A4510T variant (also known as c.13528G>A), located in coding exon 93 of the RYR2 gene, results from a G to A substitution at nucleotide position 13528. The alanine at codon 4510 is replaced by threonine, an amino acid with similar properties. This variant was reported in individual(s) with features consistent with RYR2-related ventricular arrhythmia; in at least one individual, it was determined to be de novo (Choi G et al. Circulation, 2004 Oct;110:2119-24; Tester DJ et al. Heart Rhythm, 2005 Oct;2:1099-105; van der Werf C et al. Circ Arrhythm Electrophysiol, 2012 Aug;5:748-56; Medeiros-Domingo A et al. J Am Coll Cardiol, 2009 Nov;54:2065-74; Ambry internal data; external communication). This amino acid position is highly conserved in available vertebrate species. In addition, this alteration is predicted to be deleterious by in silico analysis. Based on the majority of available evidence to date, this variant is likely to be pathogenic.

Labcorp Genetics (formerly Invitae), Labcorp
Classification: Pathogenic for Catecholaminergic polymorphic ventricular tachycardia 1. Last evaluated: 2025-12-27. Review status: criteria provided, single submitter. Criteria: Invitae Variant Classification Sherloc (09022015). Collection method: clinical testing. Allele origin: germline.
Comment: This sequence change replaces alanine, which is neutral and non-polar, with threonine, which is neutral and polar, at codon 4510 of the RYR2 protein (p.Ala4510Thr). The frequency data for this variant in the population databases is considered unreliable, as metrics indicate poor data quality at this position in the gnomAD database. This missense change has been observed in individuals with RYR2-related conditions (PMID: 15466642, 16188589, 22787013, 29453246; internal data). ClinVar contains an entry for this variant (Variation ID: 43725). Invitae Evidence Modeling of protein sequence and biophysical properties (such as structural, functional, and spatial information, amino acid conservation, physicochemical variation, residue mobility, and thermodynamic stability) indicates that this missense variant is expected to disrupt RYR2 protein function with a positive predictive value of 95%. This variant disrupts the p.Ala4510 amino acid residue in RYR2. Other variant(s) that disrupt this residue have been determined to be pathogenic (internal data). This suggests that this residue is clinically significant, and that variants that disrupt this residue are likely to be disease-causing. For these reasons, this variant has been classified as Pathogenic.

GeneDx
Classification: Likely pathogenic. Last evaluated: 2025-12-05. Review status: criteria provided, single submitter. Criteria: GeneDx Variant Classification Process June 2021. Collection method: clinical testing. Allele origin: germline.
Comment: Not observed at significant frequency in large population cohorts (gnomAD); In silico analysis supports that this missense variant has a deleterious effect on protein structure/function; This variant is associated with the following publications: (PMID: 26206375, 27538377, 24025405, 16188589, 19926015, 21616285, 31112425, 15466642, 29453246, 30847666, 32152366, 17052226, 22787013)

Women's Health and Genetics/Laboratory Corporation of America, LabCorp
Classification: Pathogenic for Catecholaminergic polymorphic ventricular tachycardia 1. Last evaluated: 2025-11-03. Review status: criteria provided, single submitter. Criteria: LabCorp Variant Classification Summary - May 2015. Collection method: clinical testing. Allele origin: germline.
Comment: Variant summary: RYR2 c.13528G>A (p.Ala4510Thr) results in a non-conservative amino acid change located in the Ryanodine Receptor TM 4-6 domain (IPR009460) of the encoded protein sequence. Algorithms developed to predict the effect of missense changes on protein structure and function all suggest that this variant is likely to be disruptive. The frequency data for this variant in gnomAD is considered unreliable, as metrics indicate poor data quality at this position. c.13528G>A has been observed in multiple individuals affected exercise-induced arrhythmia and with Catecholaminergic Polymorphic Ventricular Tachycardia (e.g. Choi_2004, Tester_2005, Medeiros-Domingo_2009, van der Werf_2011, van der Werf_2012, Kapplinger_2018, Giudicessi_2019, van Lint_2019, internal data). These data indicate that the variant is very likely to be associated with disease. The variant is located in the C-terminal region which is one of the 3 identified mutation hot-spot clusters in RYR2 gene (Bauerova-Hlinkova_2020). To our knowledge, no experimental evidence demonstrating an impact on protein function has been reported. The following publications have been ascertained in the context of this evaluation (PMID: 32899693, 15466642, 31112425, 29453246, 19926015, 32152366, 27538377, 16188589, 30847666, 22787013, 21616285). ClinVar contains an entry for this variant (Variation ID: 43725). Based on the evidence outlined above, the variant was classified as pathogenic.

Color Diagnostics, LLC DBA Color Health
Classification: Likely pathogenic for Cardiomyopathy. Last evaluated: 2025-06-12. Review status: criteria provided, single submitter. Criteria: ACMG Guidelines, 2015. Collection method: clinical testing. Allele origin: germline.
Comment: This missense variant replaces alanine with threonine at codon 4510 in the transmembrane domain of the RYR2 protein. This variant occurs in a region of the RYR2 protein that is considered to be a hotspot for pathogenic variants that contribute to catecholaminergic polymorphic ventricular tachycardia susceptibility (PMID: 29453246, 30696458). Computational prediction suggests that this variant may have a deleterious impact on protein structure and function. This variant has been reported in six individuals affected with catecholaminergic polymorphic ventricular tachycardia (PMID: 15466642, 19926015, 21616285, 22787013, 29453246ClinVar SCV000285698.5). This variant has been identified in 2/198772 chromosomes in the general population by the Genome Aggregation Database (gnomAD). A different variant affecting the same codon, p.Ala4510Pro, is considered to be disease-causing (ClinVar variation ID: 568135), suggesting that alanine at this position is important for RYR2 protein function. Based on the available evidence, this variant is classified as Likely Pathogenic.

All of Us Research Program, National Institutes of Health
Classification: Uncertain significance for Catecholaminergic polymorphic ventricular tachycardia. Last evaluated: 2024-03-08. Review status: criteria provided, single submitter. Criteria: ACMG Guidelines, 2015. Collection method: clinical testing. Allele origin: germline. Inheritance: Autosomal dominant inheritance. Observed: 2 variant alleles, 2 heterozygotes.
Comment: Variant of Uncertain Significance due to insufficient evidence: This missense variant is located in the transmembrane domain in the pore-forming region of the RYR2 protein. Computational prediction tools and conservation analyses suggest that this variant may have deleterious impact on the protein function. Computational splicing tools suggest that this variant may not impact RNA splicing. To our knowledge, functional assays have not been performed for this variant. This variant has been reported in two individuals affected with a swimming-triggered arrhythmia (PMID: 15466642, 16188589) and in an individual affected with catecholaminergic polymorphic ventricular tachycardia (PMID: 21616285). This variant is rare in the general population and has been identified in 2/198772 chromosomes by the Genome Aggregation Database (gnomAD). Available evidence is insufficient to determine the pathogenicity of this variant conclusively.

This study involves interpretation of variants in research participants for the purpose of population health screening. Participant phenotype was not available at the time of variant classification. Additional details can be found in publication PMID: 35346344, PMCID: PMC8962531

CHEO Genetics Diagnostic Laboratory, Children's Hospital of Eastern Ontario
Classification: Uncertain significance for Cardiomyopathy. Last evaluated: 2018-05-22. Review status: criteria provided, single submitter. Criteria: ACMG Guidelines, 2015. Collection method: clinical testing. Allele origin: germline.

Stanford Center for Inherited Cardiovascular Disease, Stanford University
Classification: Uncertain significance. Last evaluated: 2016-09-13. Review status: criteria provided, single submitter. Criteria: ACMG Guidelines, 2015. Collection method: provider interpretation. Allele origin: germline.

Laboratory for Molecular Medicine, Mass General Brigham Personalized Medicine
Classification: Uncertain significance. Last evaluated: 2015-06-26. Review status: criteria provided, single submitter. Criteria: LMM Criteria. Collection method: clinical testing. Allele origin: germline. Observed: 3 variant alleles.
Comment: Variant classified as Uncertain Significance - Favor Pathogenic. The p.Ala4510Th r variant in RYR2 has been reported in at least 2 individuals, 1 individual with clinical features of CPVT (PVCs, ventricular bigeminy, couplets, syncope-exerti on, and a 440ms QTc; Tester 2005) and 1 individual with CPVT (van der Werf 2012) . In addition, this variant has also been identified in 1/16572 European chromos omes and 1/1028 Latino chromosomes by the Exome Aggregation Consortium (ExAC; dbSNP rs397516510). Computational prediction tools and conservation analysis suggest that the p.Ala4510Thr variant may impact the protein, though this information is not predictive enough to determine pathogeni city. In summary, while there is some suspicion for a pathogenic role, the clini cal significance of the p.Ala4510Thr variant is uncertain.

Literature cited by the submitters: PubMed 15466642 (cited by 6 submitters); PubMed 16188589 (cited by 5 submitters); PubMed 19926015 (cited by 4 submitters); PubMed 22787013 (cited by 5 submitters); PubMed 29453246 (cited by 3 submitters); PubMed 27538377 (cited by Women's Health and Genetics/Laboratory Corporation of America, LabCorp); PubMed 31112425 (cited by Women's Health and Genetics/Laboratory Corporation of America, LabCorp); PubMed 30847666 (cited by Women's Health and Genetics/Laboratory Corporation of America, LabCorp); PubMed 32899693 (cited by Women's Health and Genetics/Laboratory Corporation of America, LabCorp); PubMed 32152366 (cited by Women's Health and Genetics/Laboratory Corporation of America, LabCorp); PubMed 21616285 (cited by 3 submitters); PubMed 30696458 (cited by Color Diagnostics, LLC DBA Color Health); PubMed 24025405 (cited by Laboratory for Molecular Medicine, Mass General Brigham Personalized Medicine).

NM_001035.3(RYR2):c.13528G>A (p.Ala4510Thr)

Gene: RYR2 (ryanodine receptor 2; plus strand). Cytogenetic location: 1q43.
Variant type: single nucleotide variant.
Coding change: c.13528G>A on transcript NM_001035.3 (MANE Select); coding-DNA position 13528, G replaced by A.
Protein change: p.Ala4510Thr; replaces alanine 4510 with threonine.
Molecular consequence: missense variant.
Genome position (GRCh38, 1-based): chr1:237,791,480, G>A. VCF-style: chr1-237791480-G-A. GRCh37 (hg19) VCF-style: chr1-237954780-G-A.
Other names: short protein forms A4510T.
Identifiers: ClinVar variation 43725 (VCV000043725.37), dbSNP rs397516510, ClinGen allele CA007947.